The following is an entry in ClinVar:

ClinVar aggregate classification (germline): Uncertain significance (1 of 4 stars; one submission).

Conditions:
Bardet-Biedl syndrome (BBS). Identifiers: Orphanet 110, MedGen C0752166, MONDO:0015229.

Submission:

Labcorp Genetics (formerly Invitae), Labcorp
Classification: Uncertain significance for Bardet-Biedl syndrome. Last evaluated: 2022-02-11. Review status: criteria provided, single submitter. Criteria: Invitae Variant Classification Sherloc (09022015). Collection method: clinical testing. Allele origin: germline.
Comment: In summary, the available evidence is currently insufficient to determine the role of this variant in disease. Therefore, it has been classified as a Variant of Uncertain Significance. Algorithms developed to predict the effect of missense changes on protein structure and function are either unavailable or do not agree on the potential impact of this missense change (SIFT: "Deleterious"; PolyPhen-2: "Probably Damaging"; Align-GVGD: "Class C15"). This variant has not been reported in the literature in individuals affected with TTC8-related conditions. This variant is not present in population databases (gnomAD no frequency). This sequence change replaces aspartic acid, which is acidic and polar, with tyrosine, which is neutral and polar, at codon 402 of the TTC8 protein (p.Asp402Tyr).

NM_144596.4(TTC8):c.1234G>T (p.Asp412Tyr)

Gene: TTC8 (tetratricopeptide repeat domain 8; plus strand). Cytogenetic location: 14q31.3.
Variant type: single nucleotide variant.
Coding change: c.1234G>T on transcript NM_144596.4 (MANE Select); coding-DNA position 1234, G replaced by T.
Protein change: p.Asp412Tyr; replaces aspartic acid 412 with tyrosine.
Molecular consequence: missense variant. On other transcripts: non-coding transcript variant (1).
Genome position (GRCh38, 1-based): chr14:88,872,339, G>T. VCF-style: chr14-88872339-G-T. GRCh37 (hg19) VCF-style: chr14-89338683-G-T.
Other names: c.1282G>T, p.Asp428Tyr (NM_001288781.1); c.640G>T, p.Asp214Tyr (NM_001288782.1); c.517G>T, p.Asp173Tyr (NM_001288783.1); c.1204G>T, p.Asp402Tyr (NM_001366535.2, NM_198309.3); c.1114G>T, p.Asp372Tyr (NM_001366536.2, NM_198310.3); short protein forms D173Y, D402Y, D428Y, D372Y, D214Y, D412Y.
Identifiers: ClinVar variation 2096751 (VCV002096751.4), dbSNP rs2546237105, ClinGen allele CA390552762.